The following is an entry in ClinVar:

ClinVar aggregate classification (germline): Uncertain significance (1 of 4 stars; one submission).

Conditions:
Multiple endocrine neoplasia, type 1 (MEN1). Also called: Endocrine adenomatosis multiple; MEN 1; MEA I; MEN I; WERMER SYNDROME. Identifiers: Orphanet 652, MedGen C0025267, MeSH D018761, MONDO:0007540, OMIM 131100.

Submission:

Labcorp Genetics (formerly Invitae), Labcorp
Classification: Uncertain significance for Multiple endocrine neoplasia, type 1. Last evaluated: 2022-07-14. Review status: criteria provided, single submitter. Criteria: Invitae Variant Classification Sherloc (09022015). Collection method: clinical testing. Allele origin: germline.
Comment: This sequence change replaces isoleucine, which is neutral and non-polar, with valine, which is neutral and non-polar, at codon 140 of the MEN1 protein (p.Ile140Val). This variant is not present in population databases (gnomAD no frequency). This variant has not been reported in the literature in individuals affected with MEN1-related conditions. Advanced modeling of protein sequence and biophysical properties (such as structural, functional, and spatial information, amino acid conservation, physicochemical variation, residue mobility, and thermodynamic stability) performed at Invitae indicates that this missense variant is expected to disrupt MEN1 protein function. In summary, the available evidence is currently insufficient to determine the role of this variant in disease. Therefore, it has been classified as a Variant of Uncertain Significance.

NM_001370259.2(MEN1):c.418A>G (p.Ile140Val)

Gene: MEN1 (menin 1; minus strand). Cytogenetic location: 11q13.1.
Variant type: single nucleotide variant.
Coding change: c.418A>G on transcript NM_001370259.2 (MANE Select); coding-DNA position 418, A replaced by G.
Protein change: p.Ile140Val; replaces isoleucine 140 with valine.
Molecular consequence: missense variant.
Genome position (GRCh38, 1-based): chr11:64,809,692, T>C on the plus strand (A>G on the coding strand, the complement: MEN1 is on the minus strand). VCF-style: chr11-64809692-T-C. GRCh37 (hg19) VCF-style: chr11-64577164-T-C.
Other names: c.418A>G, p.Ile140Val (NM_000244.4, NM_001370251.2, NM_001370260.2 and 20 more transcripts); short protein forms I140V.
Identifiers: ClinVar variation 2016953 (VCV002016953.4), dbSNP rs376510601, ClinGen allele CA381186780.
Genomic context (GRCh38, chr11:64,809,692, plus strand): 5'-CATGGATAAGATTCCCACCTACTGGGCTCCAACCTGTGATGAAGCTGAAGAGGGACTGGA[T>C]GTGGGCCCGATCCTTGAAGTAGGAGCGGCTGAGGCTGTTCCATATGACATCGGAGACCTT-3'
Protein context (NP_001357188.2, residues 130-150): SRSYFKDRAH[Ile140Val]QSLFSFITGT